The following is an entry in ClinVar:

ClinVar aggregate classification (germline): Pathogenic/Likely pathogenic. Review status: criteria provided, multiple submitters, no conflicts (2 of 4 stars). 4 submissions from 4 submitters: Pathogenic (1); Likely pathogenic (2). 1 of the submissions does not count toward it. Last evaluated 2026-01-11.

Conditions:
EVC2-related disorders.
Curry-Hall syndrome (WAD). Also called: WEYERS ACRODENTAL DYSOSTOSIS. Identifiers: Orphanet 952, MedGen C0457013, MONDO:0008673, OMIM 193530.
Ellis-van Creveld syndrome (EVC). Also called: Chondroectodermal dysplasia; MESOECTODERMAL DYSPLASIA. Identifiers: Orphanet 289, MedGen C0013903, MONDO:0009162, OMIM 225500.

Allele frequency attached by ClinVar (database versions not stated): gnomAD exomes below 0.00001.
gnomAD v4.1: 3 of 1,494,636 alleles (0.0002%); highest among the groups gnomAD compares: East Asian, 0.0027%; no homozygotes.

Submissions (4):

Labcorp Genetics (formerly Invitae), Labcorp
Classification: Pathogenic for Curry-Hall syndrome; Ellis-van Creveld syndrome. Last evaluated: 2026-01-11. Review status: criteria provided, single submitter. Criteria: Invitae Variant Classification Sherloc (09022015). Collection method: clinical testing. Allele origin: germline.
Comment: This sequence change creates a premature translational stop signal (p.Gln45*) in the EVC2 gene. It is expected to result in an absent or disrupted protein product. Loss-of-function variants in EVC2 are known to be pathogenic (PMID: 17024374, 19810119, 19876929). The frequency data for this variant in the population databases is considered unreliable, as metrics indicate poor data quality at this position in the gnomAD database. This variant has not been reported in the literature in individuals affected with EVC2-related conditions. ClinVar contains an entry for this variant (Variation ID: 551356). For these reasons, this variant has been classified as Pathogenic.

Fulgent Genetics
Classification: Likely pathogenic for Curry-Hall syndrome; Ellis-van Creveld syndrome. Last evaluated: 2024-03-13. Review status: criteria provided, single submitter. Criteria: ACMG Guidelines, 2015. Collection method: clinical testing. Allele origin: germline.

Blueprint Genetics
Classification: Likely pathogenic for EVC2-related disorders. Last evaluated: 2022-12-20. Review status: criteria provided, single submitter. Criteria: ACMG Guidelines, 2015. Collection method: clinical testing. Allele origin: germline. Affected: yes. Observed: 2 variant alleles.

Counsyl
Classification: Likely pathogenic for Ellis-van Creveld syndrome. Last evaluated: 2017-04-03. Review status: no assertion criteria provided. Collection method: clinical testing. Allele origin: unknown. Not counted in ClinVar's aggregate classification.

Literature cited by the submitters: PubMed 17024374 (cited by Labcorp Genetics (formerly Invitae), Labcorp); PubMed 19810119 (cited by Labcorp Genetics (formerly Invitae), Labcorp); PubMed 19876929 (cited by Labcorp Genetics (formerly Invitae), Labcorp).

NM_147127.5(EVC2):c.133C>T (p.Gln45Ter)

Gene: EVC2 (EvC ciliary complex subunit 2; minus strand). Cytogenetic location: 4p16.2.
Variant type: single nucleotide variant.
Coding change: c.133C>T on transcript NM_147127.5 (MANE Select); coding-DNA position 133, C replaced by T.
Protein change: p.Gln45Ter; replaces glutamine 45 with a stop codon.
Molecular consequence: nonsense. On other transcripts: intron variant (1).
Genome position (GRCh38, 1-based): chr4:5,708,381, G>A on the plus strand (C>T on the coding strand, the complement: EVC2 is on the minus strand). VCF-style: chr4-5708381-G-A. GRCh37 (hg19) VCF-style: chr4-5710108-G-A.
Other names: c.-13+448C>T (NM_001166136.2); short protein forms Q45*.
Identifiers: ClinVar variation 551356 (VCV000551356.11), dbSNP rs1477102573, ClinGen allele CA356154675.
Genomic context (GRCh38, chr4:5,708,381, plus strand): 5'-CCGGAGGGATCCTCAGGCCGGGCCCAGACCTAGGAGCCACCTGGGGATCCCGGGGTGGCT[G>A]CGCGCCGAGGGGGCGCCAGCGGGGACGTGAGCTGGCGCCGAGACAGCCTCGGCCCCCCAG-3'